The following is an entry in ClinVar:

ClinVar aggregate classification (germline): Likely benign. Review status: criteria provided, multiple submitters, no conflicts (2 of 4 stars). 4 submissions from 4 submitters: Likely benign (3). 1 of the submissions does not count toward it. Last evaluated 2026-07-01.

Conditions:
Rubinstein-Taybi syndrome due to EP300 haploinsufficiency. Also called: RUBINSTEIN-TAYBI SYNDROME 2; EP300-Related Rubinstein-Taybi Syndrome. Identifiers: Orphanet 353284, Orphanet 783, MedGen C3150941, MONDO:0013364, OMIM 613684.
EP300-related disorder. Also called: EP300-related condition; EP300-related disorders.

Allele frequency attached by ClinVar (database versions not stated): gnomAD 0.00001; gnomAD exomes 0.00001; ExAC 0.00002; TOPMed 0.00002.
gnomAD v4.1: 11 of 1,614,042 alleles (0.00068%); highest among the groups gnomAD compares: Admixed American, 0.0033%; no homozygotes.

Submissions (4):

CeGaT Center for Human Genetics Tuebingen
Classification: Likely benign. Last evaluated: 2026-07-01. Review status: criteria provided, single submitter. Criteria: CeGaT Center For Human Genetics Tuebingen Variant Classification Criteria Version 2. Collection method: clinical testing. Allele origin: germline. Affected: yes. Observed: 1 variant allele.
Comment: EP300: BP4

Labcorp Genetics (formerly Invitae), Labcorp
Classification: Likely benign for Rubinstein-Taybi syndrome due to EP300 haploinsufficiency. Last evaluated: 2023-07-17. Review status: criteria provided, single submitter. Criteria: Invitae Variant Classification Sherloc (09022015). Collection method: clinical testing. Allele origin: germline.

Blueprint Genetics
Classification: Likely benign. Last evaluated: 2023-06-06. Review status: criteria provided, single submitter. Criteria: ACMG Guidelines, 2015. Collection method: clinical testing. Allele origin: germline.

PreventionGenetics, part of Exact Sciences
Classification: Likely benign for EP300-related condition. Last evaluated: 2024-04-10. Review status: no assertion criteria provided. Collection method: clinical testing. Allele origin: germline. Not counted in ClinVar's aggregate classification.
Comment: This variant is classified as likely benign based on ACMG/AMP sequence variant interpretation guidelines (Richards et al. 2015 PMID: 25741868, with internal and published modifications).

NM_001429.4(EP300):c.4172+7C>T

Gene: EP300 (EP300 lysine acetyltransferase; plus strand). Cytogenetic location: 22q13.2.
Variant type: single nucleotide variant.
Coding change: c.4172+7C>T on transcript NM_001429.4 (MANE Select); 7 bases into the intron after coding-DNA position 4172, C replaced by T.
Molecular consequence: intron variant.
Genome position (GRCh38, 1-based): chr22:41,168,874, C>T. VCF-style: chr22-41168874-C-T. GRCh37 (hg19) VCF-style: chr22-41564878-C-T.
Other names: c.4172+7C>T (NM_001429.3); c.4094+7C>T (NM_001362843.2).
Identifiers: ClinVar variation 2720612 (VCV002720612.6), dbSNP rs752087395, ClinGen allele CA10253342.